The following is an entry in ClinVar:

ClinVar aggregate classification (germline): Pathogenic (1 of 4 stars; one submission).

Conditions:
Mucopolysaccharidosis, MPS-II (MPS2). Also called: Hunter Syndrome; IDURONATE 2-SULFATASE DEFICIENCY; Mucopolysaccharidosis Type II; Mucopolysaccharidosis type 2; Attenuated MPS (subtype; formerly known as mild MPS II); Severe MPS II. Identifiers: Orphanet 580, Orphanet 79388, MedGen C0026705, MONDO:0010674, OMIM 309900.

Submission:

Laboratory of Diagnosis and Therapy of Lysosomal Disorders, University of Padova
Classification: Pathogenic for Mucopolysaccharidosis, MPS-II. Last evaluated: 2024-06-07. Review status: criteria provided, single submitter. Criteria: ACMG Guidelines, 2015. Collection method: literature only. Allele origin: germline. Affected: yes. Observed: 2 variant alleles.
Comment: Null variant (PVS1_VeryStrong), Absent from controls (or at low frequency) in gnomAD database (PM2_Moderate), Patient’s phenotype or family history highly specific for the disease (PP4_Strong)

Classification method: ACMG Guidelines [PMID:25741868] with modifications

Literature cited by the submitters: PubMed 33676511; PubMed 36945845.

NM_000202.8(IDS):c.800G>A (p.Trp267Ter)

Genes: IDS (iduronate 2-sulfatase; minus strand), LOC106050102 (IDS recombination region; plus strand). Cytogenetic location: Xq28.
Variant type: single nucleotide variant.
Coding change: c.800G>A on transcript NM_000202.8 (MANE Select); coding-DNA position 800, G replaced by A.
Protein change: p.Trp267Ter; replaces tryptophan 267 with a stop codon.
Molecular consequence: nonsense. On other transcripts: non-coding transcript variant (1).
Genome position (GRCh38, 1-based): chrX:149,496,425, C>T on the plus strand (G>A on the coding strand, the complement: IDS is on the minus strand). VCF-style: chrX-149496425-C-T. GRCh37 (hg19) VCF-style: chrX-148577956-C-T.
Other names: c.530G>A, p.Trp177Ter (NM_001166550.4); c.800G>A, p.Trp267Ter (NM_006123.5); short protein forms W177*, W267*.
Identifiers: ClinVar variation 3255846 (VCV003255846.2).